The following is an entry in ClinVar:

ClinVar aggregate classification (germline): Likely pathogenic (1 of 4 stars; one submission).

Conditions:
ENHANCED S-CONE SYNDROME 1 (ESCS1). Also called: RETINOSCHISIS WITH EARLY HEMERALOPIA; FAVRE HYALOIDEORETINAL DEGENERATION. Identifiers: MedGen CN380299, OMIM 268100.
Retinitis pigmentosa 37 (RP37). Identifiers: Orphanet 791, MedGen C1970163, MONDO:0012625, OMIM 611131.

Submission:

Juno Genomics, Hangzhou Juno Genomics, Inc
Classification: Likely pathogenic for ENHANCED S-CONE SYNDROME 1; Retinitis pigmentosa 37. Review status: criteria provided, single submitter. Criteria: ACMG Guidelines, 2015. Collection method: clinical testing. Allele origin: germline.
Comment: Null variant in a gene where loss of function (LOF) is a known mechanism of disease.;Absent from controls (or at extremely low frequency if recessive) in Genome Aggregation Database.

NM_014249.4(NR2E3):c.966C>A (p.Cys322Ter)

Gene: NR2E3 (nuclear receptor subfamily 2 group E member 3; plus strand). Cytogenetic location: 15q23.
Variant type: single nucleotide variant.
Coding change: c.966C>A on transcript NM_014249.4 (MANE Select); coding-DNA position 966, C replaced by A.
Protein change: p.Cys322Ter; replaces cysteine 322 with a stop codon.
Molecular consequence: nonsense.
Genome position (GRCh38, 1-based): chr15:71,813,607, C>A. VCF-style: chr15-71813607-C-A. GRCh37 (hg19) VCF-style: chr15-72105948-C-A.
Other names: c.966C>A, p.Cys322Ter (NM_016346.4); short protein forms C322*.
Identifiers: ClinVar variation 5005453 (VCV005005453.2).
Genomic context (GRCh38, chr15:71,813,607, plus strand): 5'-CCTGCAGGAAACTATCTCTCGGTTCCGGGCATTGGCGGTGGACCCCACGGAGTTTGCCTG[C>A]ATGAAGGCCTTGGTCCTCTTCAAGCCAGGTAACTGAGTCTCTGCCCAAACCTTGAGTGGG-3'